The following is an entry in ClinVar:

ClinVar aggregate classification (germline): Uncertain significance (1 of 4 stars; one submission).

Conditions:
Hereditary breast ovarian cancer syndrome. Also called: Hereditary breast and ovarian cancer; Hereditary breast and ovarian cancer syndrome (HBOC); Hereditary breast and ovarian cancer syndrome; BRCA1- and BRCA2-Associated Hereditary Breast and Ovarian Cancer; Hereditary breast and/or ovarian cancer syndrome; Breast and ovarian cancer. Identifiers: Orphanet 145, MedGen C0677776, MeSH D061325, MONDO:0003582. Disease mechanism: loss of function.

Submission:

Labcorp Genetics (formerly Invitae), Labcorp
Classification: Uncertain significance for Hereditary breast ovarian cancer syndrome. Last evaluated: 2020-04-11. Review status: criteria provided, single submitter. Criteria: Invitae Variant Classification Sherloc (09022015). Collection method: clinical testing. Allele origin: germline.
Comment: In summary, the available evidence is currently insufficient to determine the role of this variant in disease. Therefore, it has been classified as a Variant of Uncertain Significance. Algorithms developed to predict the effect of missense changes on protein structure and function (SIFT, PolyPhen-2, Align-GVGD) all suggest that this variant is likely to be tolerated, but these predictions have not been confirmed by published functional studies and their clinical significance is uncertain. This variant has been reported in individuals in the Leiden Open-source Variation Database (PMID: 21520333). This variant is not present in population databases (ExAC no frequency). This sequence change replaces valine with phenylalanine at codon 109 of the BRCA2 protein (p.Val109Phe). The valine residue is weakly conserved and there is a small physicochemical difference between valine and phenylalanine.

Literature cited by the submitters: PubMed 21520333.

NM_000059.4(BRCA2):c.325G>T (p.Val109Phe)

Gene: BRCA2 (BRCA2 DNA repair associated; plus strand). Cytogenetic location: 13q13.1.
Variant type: single nucleotide variant.
Coding change: c.325G>T on transcript NM_000059.4 (MANE Select); coding-DNA position 325, G replaced by T.
Protein change: p.Val109Phe; replaces valine 109 with phenylalanine.
Molecular consequence: missense variant.
Genome position (GRCh38, 1-based): chr13:32,325,084, G>T. VCF-style: chr13-32325084-G-T. GRCh37 (hg19) VCF-style: chr13-32899221-G-T.
Other names: short protein forms V109F.
Identifiers: ClinVar variation 1025967 (VCV001025967.9), dbSNP rs1359975493, ClinGen allele CA387756509.
Genomic context (GRCh38, chr13:32,325,084, plus strand): 5'-AATTTATAATCCAGAGTATATACATTCTCACTGAATTATTGTACTGTTTCAGGAAGGAAT[G>T]TTCCCAATAGTAGACATAAAAGTCTTCGCACAGTGAAAACTAAAATGGATCAAGCAGATG-3'
Protein context (NP_000050.3, residues 99-119): DKFKLDLGRN[Val109Phe]PNSRHKSLRT